The following is an entry in ClinVar:

NM_001005242.3(PKP2):c.1993C>T (p.Leu665Phe)

Gene: PKP2 (plakophilin 2; minus strand). Cytogenetic location: 12p11.21.
Variant type: single nucleotide variant.
Coding change: c.1993C>T on transcript NM_001005242.3 (MANE Select); coding-DNA position 1993, C replaced by T.
Protein change: p.Leu665Phe; replaces leucine 665 with phenylalanine.
Molecular consequence: missense variant.
Genome position (GRCh38, 1-based): chr12:32,821,376, G>A on the plus strand (C>T on the coding strand, the complement: PKP2 is on the minus strand). VCF-style: chr12-32821376-G-A. GRCh37 (hg19) VCF-style: chr12-32974310-G-A.
Other names: p.L709F:CTC>TTC; c.2125C>T, p.Leu709Phe (NM_004572.4); short protein forms L709F, L665F.
Identifiers: ClinVar variation 45060 (VCV000045060.21), dbSNP rs397517018, ClinGen allele CA011731.

ClinVar aggregate classification (germline): Uncertain significance. Review status: criteria provided, multiple submitters, no conflicts (2 of 4 stars). 4 submissions from 4 submitters: Uncertain significance (3). 1 of the submissions does not count toward it. Last evaluated 2026-03-09.

Conditions:
PKP2-related disorder. Also called: PKP2-related condition.
Arrhythmogenic right ventricular dysplasia 9 (ARVD9). Also called: Arrhythmogenic Right Ventricular Dysplasia/Cardiomyopathy 9; ARRHYTHMOGENIC RIGHT VENTRICULAR DYSPLASIA, FAMILIAL, 9. Identifiers: MedGen C1836906, MONDO:0012180, OMIM 609040.

Submissions (4):

PreventionGenetics, part of Exact Sciences
Classification: Uncertain significance for PKP2-related condition. Last evaluated: 2026-03-09. Review status: criteria provided, single submitter. Criteria: ACMG Guidelines, 2015. Collection method: clinical testing. Allele origin: germline.
Comment: The PKP2 c.2125C>T variant is predicted to result in the amino acid substitution p.Leu709Phe. This variant has been reported in individuals with arrhythmogenic right ventricular cardiomyopathy (Supplementary File 1, Dries et al. 2021. PubMed ID: 34120153; Table S5, Goudal et al. 2022. PubMed ID: 35819174). This variant has not been reported in a large population database (gnomAD), indicating this variant is rare. At this time, the clinical significance of this variant is uncertain due to the absence of conclusive functional and genetic evidence.

Labcorp Genetics (formerly Invitae), Labcorp
Classification: Uncertain significance for Arrhythmogenic right ventricular dysplasia 9. Last evaluated: 2026-01-26. Review status: criteria provided, single submitter. Criteria: Invitae Variant Classification Sherloc (09022015). Collection method: clinical testing. Allele origin: germline.
Comment: This sequence change replaces leucine, which is neutral and non-polar, with phenylalanine, which is neutral and non-polar, at codon 709 of the PKP2 protein (p.Leu709Phe). This variant is not present in population databases (gnomAD no frequency). This missense change has been observed in individual(s) with clinical features of PKP2-related conditions (internal data). ClinVar contains an entry for this variant (Variation ID: 45060). An algorithm developed to predict the effect of missense changes on protein structure and function (PolyPhen-2) suggests that this variant is likely to be disruptive. In summary, the available evidence is currently insufficient to determine the role of this variant in disease. Therefore, it has been classified as a Variant of Uncertain Significance.

GeneDx
Classification: Uncertain significance. Last evaluated: 2026-01-05. Review status: criteria provided, single submitter. Criteria: GeneDx Variant Classification Process June 2021. Collection method: clinical testing. Allele origin: germline. Affected: yes.
Comment: Has been reported in association with arrhythmogenic cardiomyopathy (PMID: 35819174, 34120153); Not observed at significant frequency in large population cohorts (gnomAD); In silico analysis supports that this missense variant has a deleterious effect on protein structure/function; This variant is associated with the following publications: (PMID: 34120153, 35819174)

Laboratory for Molecular Medicine, Mass General Brigham Personalized Medicine
Classification: Uncertain significance. Last evaluated: 2009-06-08. Review status: no assertion criteria provided. Collection method: clinical testing. Allele origin: germline. Observed: 1 variant allele. Not counted in ClinVar's aggregate classification.